The following is an entry in ClinVar:

NM_014727.3(KMT2B):c.2846C>T (p.Pro949Leu)

Gene: KMT2B (lysine methyltransferase 2B; plus strand). Cytogenetic location: 19q13.12.
Variant type: single nucleotide variant.
Coding change: c.2846C>T on transcript NM_014727.3 (MANE Select); coding-DNA position 2846, C replaced by T.
Protein change: p.Pro949Leu; replaces proline 949 with leucine.
Molecular consequence: missense variant.
Genome position (GRCh38, 1-based): chr19:35,723,118, C>T. VCF-style: chr19-35723118-C-T. GRCh37 (hg19) VCF-style: chr19-36214020-C-T.
Other names: c.2846C>T (NM_014727.1); short protein forms P949L.
Identifiers: ClinVar variation 2629176 (VCV002629176.6), dbSNP rs760121092, ClinGen allele CA9384586.

ClinVar aggregate classification (germline): Conflicting classifications of pathogenicity. Review status: criteria provided, conflicting classifications (1 of 4 stars). 4 submissions from 4 submitters: Uncertain significance (3); Likely benign (1). Last evaluated 2025-07-14.

Conditions:
Inborn genetic diseases. Identifiers: MedGen C0950123, MeSH D030342.
KMT2B-related disorder. Also called: KMT2B-related disorders; KMT2B-related condition. Identifiers: MedGen CN381338.

Allele frequency attached by ClinVar (database versions not stated): ExAC 0.00001; TOPMed 0.00003; gnomAD exomes 0.00009.

Submissions (4):

GeneDx
Classification: Uncertain significance. Last evaluated: 2025-07-14. Review status: criteria provided, single submitter. Criteria: GeneDx Variant Classification Process June 2021. Collection method: clinical testing. Allele origin: germline.
Comment: In silico analysis supports that this missense variant has a deleterious effect on protein structure/function; Has not been previously published as pathogenic or benign to our knowledge

Ambry Genetics
Classification: Uncertain significance for Inborn genetic diseases. Last evaluated: 2024-05-29. Review status: criteria provided, single submitter. Criteria: Ambry Variant Classification Scheme 2023. Collection method: clinical testing. Allele origin: germline.

Labcorp Genetics (formerly Invitae), Labcorp
Classification: Likely benign. Last evaluated: 2024-04-15. Review status: criteria provided, single submitter. Criteria: Invitae Variant Classification Sherloc (09022015). Collection method: clinical testing. Allele origin: germline.

PreventionGenetics, part of Exact Sciences
Classification: Uncertain significance for KMT2B-related condition. Last evaluated: 2023-09-16. Review status: criteria provided, single submitter. Criteria: ACMG Guidelines, 2015. Collection method: clinical testing. Allele origin: germline.
Comment: The KMT2B c.2846C>T variant is predicted to result in the amino acid substitution p.Pro949Leu. To our knowledge, this variant has not been reported in the literature. This variant is reported in 0.0027% of alleles in individuals of European (Non-Finnish) descent in gnomAD. At this time, the clinical significance of this variant is uncertain due to the absence of conclusive functional and genetic evidence.